The following is an entry in ClinVar:

NM_177438.3(DICER1):c.3546A>G (p.Gln1182=)

Gene: DICER1 (dicer 1, ribonuclease III; minus strand). Cytogenetic location: 14q32.13.
Variant type: single nucleotide variant.
Coding change: c.3546A>G on transcript NM_177438.3 (MANE Select); coding-DNA position 3546, A replaced by G.
Protein change: p.Gln1182=; no amino-acid change (glutamine 1182 retained).
Molecular consequence: synonymous variant.
Genome position (GRCh38, 1-based): chr14:95,103,850, T>C on the plus strand (A>G on the coding strand, the complement: DICER1 is on the minus strand). VCF-style: chr14-95103850-T-C. GRCh37 (hg19) VCF-style: chr14-95570187-T-C.
Other names: c.3546A>G, p.Gln1182= (NM_001195573.1, NM_001271282.3, NM_001291628.2 and 1 more transcripts).
Identifiers: ClinVar variation 579112 (VCV000579112.13), dbSNP rs1566768449, ClinGen allele CA487845016.

ClinVar aggregate classification (germline): Conflicting classifications of pathogenicity. Review status: criteria provided, conflicting classifications (1 of 4 stars). 4 submissions from 4 submitters: Uncertain significance (1); Benign (1); Likely benign (2). Last evaluated 2026-04-17.

Conditions:
DICER1-related tumor predisposition. Also called: DICER1-related pleuropulmonary blastoma cancer predisposition syndrome; DICER1 syndrome. Identifiers: Orphanet 284343, MedGen C3839822, MONDO:0100216.
Hereditary cancer-predisposing syndrome. Also called: Neoplastic Syndromes, Hereditary; Hereditary Cancer Syndrome; Hereditary neoplastic syndrome; Tumor predisposition. Identifiers: Orphanet 140162, MedGen C0027672, MeSH D009386, MONDO:0015356.

Allele frequency attached by ClinVar (database versions not stated): TOPMed 0.00001.
gnomAD v4.1: 5 of 1,614,170 alleles (0.00031%); highest among the groups gnomAD compares: Non-Finnish European, 0.00042%; no homozygotes.

Submissions (4):

Myriad Genetics, Inc.
Classification: Benign for DICER1-related tumor predisposition. Last evaluated: 2026-04-17. Review status: criteria provided, single submitter. Criteria: Myriad Autosomal Dominant, Autosomal Recessive and X-Linked Classification Criteria (2023). Collection method: clinical testing. Allele origin: unknown.
Comment: This variant is considered benign. This variant is a silent/synonymous amino acid change and it is not expected to impact splicing.

Labcorp Genetics (formerly Invitae), Labcorp
Classification: Likely benign for DICER1-related tumor predisposition. Last evaluated: 2023-08-17. Review status: criteria provided, single submitter. Criteria: Invitae Variant Classification Sherloc (09022015). Collection method: clinical testing. Allele origin: germline.

Sema4
Classification: Uncertain significance for Hereditary cancer-predisposing syndrome. Last evaluated: 2022-01-24. Review status: criteria provided, single submitter. Criteria: Sema4 Curation Guidelines. Collection method: curation. Allele origin: germline.
Comment: The DICER1 c.3546A>G (p.Q1182=) variant has not been reported in the literature to our knowledge. This variant is not reported in the population database Genome Aggregation Database (PMID: 32461654). This variant has been reported in ClinVar (Variation ID: 579112). In silico tools that predict the effect of sequence changes on splicing suggest that this variant may impact splicing, though these predictions have not been confirmed by functional studies. The evidence is insufficient to meet ACMG/AMP criteria for classifying the variant as benign or pathogenic. Thus, the clinical significance of this variant is currently uncertain.

Ambry Genetics
Classification: Likely benign for Hereditary cancer-predisposing syndrome. Last evaluated: 2020-08-20. Review status: criteria provided, single submitter. Criteria: Ambry Variant Classification Scheme 2023. Collection method: clinical testing. Allele origin: germline.